The following is an entry in ClinVar:

ClinVar aggregate classification (germline): Pathogenic (1 of 4 stars; one submission).

Submission:

Labcorp Genetics (formerly Invitae), Labcorp
Classification: Pathogenic. Last evaluated: 2025-01-21. Review status: criteria provided, single submitter. Criteria: Invitae Variant Classification Sherloc (09022015). Collection method: clinical testing. Allele origin: germline.
Comment: This sequence change creates a premature translational stop signal (p.Gly1081Alafs*3) in the ANK1 gene. It is expected to result in an absent or disrupted protein product. Loss-of-function variants in ANK1 are known to be pathogenic (PMID: 8640229). This variant is not present in population databases (gnomAD no frequency). This variant has not been reported in the literature in individuals affected with ANK1-related conditions. For these reasons, this variant has been classified as Pathogenic.

Literature cited by the submitters: PubMed 8640229.

NM_000037.4(ANK1):c.3242del (p.Gly1081fs)

Gene: ANK1 (ankyrin 1; minus strand). Cytogenetic location: 8p11.21.
Variant type: Deletion.
Coding change: c.3242del on transcript NM_000037.4 (MANE Select); coding-DNA position 3242, one base deleted (G; older notation c.3242delG).
Protein change: p.Gly1081fs; shifts the reading frame from glycine 1081.
Molecular consequence: frameshift variant.
Genome position (GRCh38, 1-based): chr8:41,694,677, C deleted on the plus strand (G on the coding strand, the reverse complement: ANK1 is on the minus strand); the first of 5 consecutive C bases (chr8:41,694,677-41,694,681); deleting any one gives the same sequence. VCF-style (leftmost placement, unchanged base first): chr8-41694676-GC-G. GRCh37 (hg19) VCF-style: chr8-41552194-GC-G.
Other names: c.3365del, p.Gly1122fs (NM_001142446.2); c.3242del, p.Gly1081fs (NM_020475.3, NM_020476.3, NM_020477.3); short protein forms G1122fs, G1081fs.
Identifiers: ClinVar variation 3662059 (VCV003662059.2).
Genomic context (GRCh38, chr8:41,694,676, plus strand): 5'-GGTGACGGCATTCTCCGGGAACGTTGCCTGTACCAGGGGCACCAGCTTGCTCTTCAGGGA[GC>G]CCCCTTCGGGACCGATGGTGTCGTAGTCCTGGCAGAGCCGTGACATGATCACGAAGTACA-3'